The following is an entry in ClinVar:

Conditions:
Breast-ovarian cancer, familial, susceptibility to, 1 (BROVCA1). Also called: BRCA1 Hereditary Breast and Ovarian Cancer; OVARIAN CANCER, SUSCEPTIBILITY TO. Identifiers: Orphanet 145, MedGen C2676676, MONDO:0011450, OMIM 604370. Disease mechanism: loss of function.

Submission:

Brotman Baty Institute, University of Washington
No classification provided (evidence only). Condition: Breast-ovarian cancer, familial 1. Review status: no classification provided. Collection method: in vitro. Allele origin: not applicable. Functional consequence: functionally_normal.
ClinVar note: "not provided" was previously submitted as the classification for the variant. However, the classification appeared to be based only on an observation of functional data so it was converted to no classification on 2025-07-30.

NM_007294.4(BRCA1):c.5153-17T>C

Gene: BRCA1 (BRCA1 DNA repair associated; minus strand). Cytogenetic location: 17q21.31.
Variant type: single nucleotide variant.
Coding change: c.5153-17T>C on transcript NM_007294.4 (MANE Select); 17 bases into the intron before coding-DNA position 5153, T replaced by C.
Molecular consequence: intron variant.
Genome position (GRCh38, 1-based): chr17:43,063,390, A>G on the plus strand (T>C on the coding strand, the complement: BRCA1 is on the minus strand). VCF-style: chr17-43063390-A-G. GRCh37 (hg19) VCF-style: chr17-41215407-A-G.
Other names: c.5024-17T>C (NM_001407685.1, NM_001407688.1, NM_001407682.1 and 6 more transcripts); c.5027-17T>C (NM_001407940.1, NM_001407671.1, NM_001407676.1 and 10 more transcripts); c.5093-17T>C (NM_001407649.1); c.1838-17T>C (NM_001408401.1, NM_001408396.1, NM_001408404.1 and 8 more transcripts); c.1841-17T>C (NM_001407985.1, NM_001408472.1, NM_001407990.1 and 12 more transcripts); c.5144-17T>C (NM_001407644.1, NM_001407645.1); c.5147-17T>C (NM_001407627.1, NM_001407861.1, NM_001407635.1 and 14 more transcripts); c.5150-17T>C (NM_001407614.1, NM_001407626.1, NM_001407617.1 and 17 more transcripts); and 72 more.
Identifiers: ClinVar variation 867419 (VCV000867419.3), dbSNP rs2051876657, ClinGen allele CA916080077.